The following is an entry in ClinVar:

ClinVar aggregate classification (germline): Uncertain significance (1 of 4 stars; one submission).

Conditions:
Developmental and epileptic encephalopathy, 14 (DEE14). Also called: Early infantile epileptic encephalopathy 14. Identifiers: Orphanet 293181, MedGen C3554195, MONDO:0013989, OMIM 614959.
Autosomal dominant nocturnal frontal lobe epilepsy 5. Also called: KCNT1-Related Epilepsy; Epilepsy, nocturnal frontal lobe, 5; CILIARY DYSKINESIA, PRIMARY, 28, WITHOUT SITUS INVERSUS; CILIARY DYSKINESIA, PRIMARY, 28, WITH SITUS INVERSUS. Identifiers: Orphanet 98784, MedGen C3554306, MONDO:0014002, OMIM 615005.

Allele frequency attached by ClinVar (database versions not stated): gnomAD 0.00001; gnomAD exomes 0.00001.
gnomAD v4.1: 6 of 1,524,314 alleles (0.00039%); highest among the groups gnomAD compares: Non-Finnish European, 0.00053%; no homozygotes.

Submission:

Labcorp Genetics (formerly Invitae), Labcorp
Classification: Uncertain significance for Autosomal dominant nocturnal frontal lobe epilepsy 5; Developmental and epileptic encephalopathy, 14. Last evaluated: 2021-09-17. Review status: criteria provided, single submitter. Criteria: Invitae Variant Classification Sherloc (09022015). Collection method: clinical testing. Allele origin: germline.
Comment: In summary, the available evidence is currently insufficient to determine the role of this variant in disease. Therefore, it has been classified as a Variant of Uncertain Significance. Advanced modeling of protein sequence and biophysical properties (such as structural, functional, and spatial information, amino acid conservation, physicochemical variation, residue mobility, and thermodynamic stability) performed at Invitae indicates that this missense variant is not expected to disrupt KCNT1 protein function. This variant has not been reported in the literature in individuals affected with KCNT1-related conditions. This variant is not present in population databases (ExAC no frequency). This sequence change replaces threonine with isoleucine at codon 992 of the KCNT1 protein (p.Thr992Ile). The threonine residue is moderately conserved and there is a moderate physicochemical difference between threonine and isoleucine.

NM_020822.3(KCNT1):c.2975C>T (p.Thr992Ile)

Gene: KCNT1 (potassium sodium-activated channel subfamily T member 1; plus strand). Cytogenetic location: 9q34.3.
Variant type: single nucleotide variant.
Coding change: c.2975C>T on transcript NM_020822.3 (MANE Select); coding-DNA position 2975, C replaced by T.
Protein change: p.Thr992Ile; replaces threonine 992 with isoleucine.
Molecular consequence: missense variant.
Genome position (GRCh38, 1-based): chr9:135,784,566, C>T. VCF-style: chr9-135784566-C-T. GRCh37 (hg19) VCF-style: chr9-138676412-C-T.
Other names: c.2840C>T, p.Thr947Ile (NM_001272003.2); short protein forms T992I, T947I.
Identifiers: ClinVar variation 1522397 (VCV001522397.6), dbSNP rs1032036573, ClinGen allele CA201483681.